The following is an entry in ClinVar:

ClinVar aggregate classification (germline): Uncertain significance (1 of 4 stars; one submission).

Conditions:
Familial cancer of breast. Also called: hereditary breast carcinoma; BREAST CANCER, FAMILIAL; Hereditary breast cancer. Identifiers: Orphanet 227535, MedGen C0346153, MONDO:0016419, OMIM 114480. Disease mechanism: loss of function.

Submission:

Labcorp Genetics (formerly Invitae), Labcorp
Classification: Uncertain significance for Familial cancer of breast. Last evaluated: 2023-11-02. Review status: criteria provided, single submitter. Criteria: Invitae Variant Classification Sherloc (09022015). Collection method: clinical testing. Allele origin: germline.
Comment: This sequence change replaces aspartic acid, which is acidic and polar, with glutamic acid, which is acidic and polar, at codon 535 of the BARD1 protein (p.Asp535Glu). This variant is not present in population databases (gnomAD no frequency). This variant has not been reported in the literature in individuals affected with BARD1-related conditions. Algorithms developed to predict the effect of missense changes on protein structure and function output the following: SIFT: "Not Available"; PolyPhen-2: "Benign"; Align-GVGD: "Not Available". The glutamic acid amino acid residue is found in multiple mammalian species, which suggests that this missense change does not adversely affect protein function. In summary, the available evidence is currently insufficient to determine the role of this variant in disease. Therefore, it has been classified as a Variant of Uncertain Significance.

NM_000465.4(BARD1):c.1605T>A (p.Asp535Glu)

Gene: BARD1 (BRCA1 associated RING domain 1; minus strand). Cytogenetic location: 2q35.
Variant type: single nucleotide variant.
Coding change: c.1605T>A on transcript NM_000465.4 (MANE Select); coding-DNA position 1605, T replaced by A.
Protein change: p.Asp535Glu; replaces aspartic acid 535 with glutamic acid.
Molecular consequence: missense variant. On other transcripts: non-coding transcript variant (3), intron variant (1).
Genome position (GRCh38, 1-based): chr2:214,752,519, A>T on the plus strand (T>A on the coding strand, the complement: BARD1 is on the minus strand). VCF-style: chr2-214752519-A-T. GRCh37 (hg19) VCF-style: chr2-215617243-A-T.
Other names: c.365-22011T>A (NM_001282549.2); c.1548T>A, p.Asp516Glu (NM_001282543.2); c.252T>A, p.Asp84Glu (NM_001282545.2); c.195T>A, p.Asp65Glu (NM_001282548.2); short protein forms D516E, D65E, D84E, D535E.
Identifiers: ClinVar variation 3015015 (VCV003015015.3), dbSNP rs1172740478, ClinGen allele CA350454908.